The following is an entry in ClinVar:

ClinVar aggregate classification (germline): Likely pathogenic (1 of 4 stars; one submission).

Conditions:
Fetal anomalies with a likely genetic cause.

Submission:

Genetics Laboratory, Great Ormond Street Hospital NHS Foundation Trust, North Thames Genomic Laboratory Hub
Classification: Likely pathogenic for Fetal anomalies with a likely genetic cause. Last evaluated: 2026-09-15. Review status: criteria provided, single submitter. Criteria: ACGS Best Practice Guidelines for Variant Classification in Rare Disease 2024 v1.2. Collection method: clinical testing. Allele origin: germline. Affected: yes.
Comment: PM2_moderate, PVS1_strong

NM_025161.6(FAAP100):c.2427+1G>T

Gene: FAAP100 (FA core complex associated protein 100; minus strand). Cytogenetic location: 17q25.3.
Variant type: single nucleotide variant.
Coding change: c.2427+1G>T on transcript NM_025161.6 (MANE Select); the canonical splice donor site of the intron after coding-DNA position 2427, G replaced by T.
Molecular consequence: splice donor variant.
Genome position (GRCh38, 1-based): chr17:81,544,003, C>A on the plus strand (G>T on the coding strand, the complement: FAAP100 is on the minus strand). VCF-style: chr17-81544003-C-A. GRCh37 (hg19) VCF-style: chr17-79511029-C-A.
Identifiers: ClinVar variation 5042762 (VCV005042762.1).